The following is an entry in ClinVar:

ClinVar aggregate classification (germline): Likely pathogenic (1 of 4 stars; one submission).

Allele frequency attached by ClinVar (database versions not stated): gnomAD 0.00001; TOPMed 0.00002.
gnomAD v4.1: 2 of 1,613,998 alleles (0.00012%); highest among the groups gnomAD compares: Non-Finnish European, 0.00017%; no homozygotes.

Submission:

Labcorp Genetics (formerly Invitae), Labcorp
Classification: Likely pathogenic. Last evaluated: 2020-06-02. Review status: criteria provided, single submitter. Criteria: Invitae Variant Classification Sherloc (09022015). Collection method: clinical testing. Allele origin: germline.
Comment: This sequence change affects a donor splice site in intron 9 of the RARS2 gene. It is expected to disrupt RNA splicing and likely results in an absent or disrupted protein product. This variant is not present in population databases (ExAC no frequency). This variant has not been reported in the literature in individuals with RARS2-related conditions. Algorithms developed to predict the effect of sequence changes on RNA splicing suggest that this variant may disrupt the consensus splice site, but this prediction has not been confirmed by published transcriptional studies. Donor and acceptor splice site variants typically lead to a loss of protein function (PMID: 16199547), and loss-of-function variants in RARS2 are known to be pathogenic (PMID: 17847012, 22569581, 26083569). In summary, the currently available evidence indicates that the variant is pathogenic, but additional data are needed to prove that conclusively. Therefore, this variant has been classified as Likely Pathogenic.

Literature cited by the submitters: PubMed 16199547; PubMed 17847012; PubMed 22569581; PubMed 26083569.

NM_020320.5(RARS2):c.771+1G>T

Gene: RARS2 (arginyl-tRNA synthetase 2, mitochondrial; minus strand). Cytogenetic location: 6q15.
Variant type: single nucleotide variant.
Coding change: c.771+1G>T on transcript NM_020320.5 (MANE Select); the canonical splice donor site of the intron after coding-DNA position 771, G replaced by T.
Molecular consequence: splice donor variant.
Genome position (GRCh38, 1-based): chr6:87,530,783, C>A on the plus strand (G>T on the coding strand, the complement: RARS2 is on the minus strand). VCF-style: chr6-87530783-C-A. GRCh37 (hg19) VCF-style: chr6-88240501-C-A.
Other names: c.771+1G>T (NM_001350505.2); c.246+1G>T (NM_001350509.2, NM_001318785.2, NM_001350506.2 and 4 more transcripts).
Identifiers: ClinVar variation 1067399 (VCV001067399.7), dbSNP rs1011716245, ClinGen allele CA142848052.